The following is an entry in ClinVar:

ClinVar aggregate classification (germline): Uncertain significance. Review status: criteria provided, multiple submitters, no conflicts (2 of 4 stars). 2 submissions from 2 submitters: Uncertain significance (2). Last evaluated 2024-03-20.

Allele frequency attached by ClinVar (database versions not stated): gnomAD exomes 0.00001.
gnomAD v4.1: 7 of 1,606,702 alleles (0.00044%); highest among the groups gnomAD compares: Non-Finnish European, 0.0006%; no homozygotes.

Submissions (2):

Ambry Genetics
Classification: Uncertain significance. Last evaluated: 2024-03-20. Review status: criteria provided, single submitter. Criteria: Ambry Variant Classification Scheme 2023. Collection method: clinical testing. Allele origin: germline.

Labcorp Genetics (formerly Invitae), Labcorp
Classification: Uncertain significance. Last evaluated: 2023-01-04. Review status: criteria provided, single submitter. Criteria: Invitae Variant Classification Sherloc (09022015). Collection method: clinical testing. Allele origin: germline.
Comment: In summary, the available evidence is currently insufficient to determine the role of this variant in disease. Therefore, it has been classified as a Variant of Uncertain Significance. Algorithms developed to predict the effect of missense changes on protein structure and function (SIFT, PolyPhen-2, Align-GVGD) all suggest that this variant is likely to be tolerated. This variant has not been reported in the literature in individuals affected with IL12RB2-related conditions. This variant is not present in population databases (gnomAD no frequency). This sequence change replaces proline, which is neutral and non-polar, with threonine, which is neutral and polar, at codon 448 of the IL12RB2 protein (p.Pro448Thr).

NM_001374259.2(IL12RB2):c.1342C>A (p.Pro448Thr)

Gene: IL12RB2 (interleukin 12 receptor subunit beta 2; plus strand). Cytogenetic location: 1p31.3.
Variant type: single nucleotide variant.
Coding change: c.1342C>A on transcript NM_001374259.2 (MANE Select); coding-DNA position 1342, C replaced by A.
Protein change: p.Pro448Thr; replaces proline 448 with threonine.
Molecular consequence: missense variant. On other transcripts: non-coding transcript variant (2).
Genome position (GRCh38, 1-based): chr1:67,367,908, C>A. VCF-style: chr1-67367908-C-A. GRCh37 (hg19) VCF-style: chr1-67833591-C-A.
Other names: c.1342C>A (NM_001559.2); c.1342C>A, p.Pro448Thr (NM_001258214.1, NM_001258215.1, NM_001258216.1 and 2 more transcripts); short protein forms P448T.
Identifiers: ClinVar variation 3002862 (VCV003002862.4), dbSNP rs2523216763, ClinGen allele CA340738063.